The following is an entry in ClinVar:

ClinVar aggregate classification (germline): Conflicting classifications of pathogenicity. Review status: criteria provided, conflicting classifications (1 of 4 stars). 7 submissions from 7 submitters: Uncertain significance (1); Benign (4); Likely benign (2). Last evaluated 2026-08-01.

Conditions:
Microcephaly 5, primary, autosomal recessive (MCPH5). Also called: ASPM Primary Microcephaly. Identifiers: Orphanet 2512, MedGen C1837501, MONDO:0012106, OMIM 608716.

Allele frequency attached by ClinVar (database versions not stated): gnomAD 0.00019 and 0.00020; gnomAD exomes 0.00039 and 0.00211; 1000 Genomes Project 30x 0.00047; 1000 Genomes Project 0.00060; TOPMed 0.00073; ExAC 0.00154.
gnomAD v4.1: 587 of 1,612,832 alleles (0.036%); highest among the groups gnomAD compares: Admixed American, 0.97%; 11 homozygotes.

Submissions (7):

CeGaT Center for Human Genetics Tuebingen
Classification: Likely benign. Last evaluated: 2026-08-01. Review status: criteria provided, single submitter. Criteria: CeGaT Center For Human Genetics Tuebingen Variant Classification Criteria Version 2. Collection method: clinical testing. Allele origin: germline. Affected: yes. Observed: 5 variant alleles.
Comment: ASPM: BP4, BS2

Labcorp Genetics (formerly Invitae), Labcorp
Classification: Benign. Last evaluated: 2026-01-22. Review status: criteria provided, single submitter. Criteria: Invitae Variant Classification Sherloc (09022015). Collection method: clinical testing. Allele origin: germline.

Athena Diagnostics
Classification: Benign. Last evaluated: 2024-08-08. Review status: criteria provided, single submitter. Criteria: Athena Diagnostics Criteria. Collection method: clinical testing. Allele origin: unknown.

Illumina Laboratory Services, Illumina
Classification: Likely benign for Microcephaly 5, primary, autosomal recessive. Last evaluated: 2018-01-12. Review status: criteria provided, single submitter. Criteria: ICSL Variant Classification Criteria 13 December 2019. Collection method: clinical testing. Allele origin: germline.
Comment: This variant was observed in the ICSL laboratory as part of a predisposition screen in an ostensibly healthy population. It had not been previously curated by ICSL or reported in the Human Gene Mutation Database (HGMD: prior to June 1st, 2018), and was therefore a candidate for classification through an automated scoring system. Utilizing variant allele frequency, disease prevalence and penetrance estimates, and inheritance mode, an automated score was calculated to assess if this variant is too frequent to cause the disease. Based on the score and internal cut-off values, a variant classified as likely benign is not then subjected to further curation. The score for this variant resulted in a classification of likely benign for this disease.

GeneDx
Classification: Benign. Last evaluated: 2017-08-15. Review status: criteria provided, single submitter. Criteria: GeneDx Variant Classification (06012015). Collection method: clinical testing. Allele origin: germline. Affected: yes.
Comment: This variant is considered likely benign or benign based on one or more of the following criteria: it is a conservative change, it occurs at a poorly conserved position in the protein, it is predicted to be benign by multiple in silico algorithms, and/or has population frequency not consistent with disease.

Eurofins Ntd Llc (ga)
Classification: Benign. Last evaluated: 2015-10-30. Review status: criteria provided, single submitter. Criteria: EGL Classification Definitions 2015. Collection method: clinical testing. Allele origin: germline. Observed: 1 variant allele, 1 heterozygote.

Genetic Services Laboratory, University of Chicago
Classification: Uncertain significance for Microcephaly 5, primary, autosomal recessive. Last evaluated: 2013-02-08. Review status: criteria provided, single submitter. Criteria: ACMG Guidelines, 2007. Collection method: clinical testing. Allele origin: germline. Inheritance: Autosomal recessive inheritance.

Literature cited by the submitters: PubMed 23611254 (cited by Athena Diagnostics).

NM_018136.5(ASPM):c.5224T>C (p.Tyr1742His)

Gene: ASPM (assembly factor for spindle microtubules; minus strand). Cytogenetic location: 1q31.3.
Variant type: single nucleotide variant.
Coding change: c.5224T>C on transcript NM_018136.5 (MANE Select); coding-DNA position 5224, T replaced by C.
Protein change: p.Tyr1742His; replaces tyrosine 1742 with histidine.
Molecular consequence: missense variant. On other transcripts: intron variant (1).
Genome position (GRCh38, 1-based): chr1:197,104,027, A>G on the plus strand (T>C on the coding strand, the complement: ASPM is on the minus strand). VCF-style: chr1-197104027-A-G. GRCh37 (hg19) VCF-style: chr1-197073157-A-G.
Other names: c.4066-7863T>C (NM_001206846.2); short protein forms Y1742H.
Identifiers: ClinVar variation 157830 (VCV000157830.30), dbSNP rs143733126, ClinGen allele CA271053.